The following is an entry in ClinVar:

ClinVar aggregate classification (germline): Uncertain significance. Review status: criteria provided, multiple submitters, no conflicts (2 of 4 stars). 2 submissions from 2 submitters: Uncertain significance (2). Last evaluated 2025-04-07.

Conditions:
Dyskeratosis congenita. Identifiers: Orphanet 1775, MedGen C0265965, MONDO:0015780.
Dyskeratosis congenita, autosomal recessive 2 (DKCB2). Identifiers: Orphanet 1775, MedGen C3151441, MONDO:0013519, OMIM 613987.

Submissions (2):

Labcorp Genetics (formerly Invitae), Labcorp
Classification: Uncertain significance for Dyskeratosis congenita. Last evaluated: 2025-04-07. Review status: criteria provided, single submitter. Criteria: Invitae Variant Classification Sherloc (09022015). Collection method: clinical testing. Allele origin: germline.
Comment: This sequence change replaces arginine, which is basic and polar, with glycine, which is neutral and non-polar, at codon 101 of the NHP2 protein (p.Arg101Gly). This variant is not present in population databases (gnomAD no frequency). This variant has not been reported in the literature in individuals affected with NHP2-related conditions. ClinVar contains an entry for this variant (Variation ID: 3592171). An algorithm developed to predict the effect of missense changes on protein structure and function (PolyPhen-2) suggests that this variant is likely to be tolerated. In summary, the available evidence is currently insufficient to determine the role of this variant in disease. Therefore, it has been classified as a Variant of Uncertain Significance.

Fulgent Genetics
Classification: Uncertain significance for Dyskeratosis congenita, autosomal recessive 2. Last evaluated: 2024-04-22. Review status: criteria provided, single submitter. Criteria: ACMG Guidelines, 2015. Collection method: clinical testing. Allele origin: germline.

NM_017838.4(NHP2):c.301C>G (p.Arg101Gly)

Gene: NHP2 (NHP2 ribonucleoprotein; minus strand). Cytogenetic location: 5q35.3.
Variant type: single nucleotide variant.
Coding change: c.301C>G on transcript NM_017838.4 (MANE Select); coding-DNA position 301, C replaced by G.
Protein change: p.Arg101Gly; replaces arginine 101 with glycine.
Molecular consequence: missense variant. On other transcripts: intron variant (1).
Genome position (GRCh38, 1-based): chr5:178,150,923, G>C on the plus strand (C>G on the coding strand, the complement: NHP2 is on the minus strand). VCF-style: chr5-178150923-G-C. GRCh37 (hg19) VCF-style: chr5-177577924-G-C.
Other names: c.301C>G, p.Arg101Gly (NM_001396110.1); c.231-1085C>G (NM_001034833.2); short protein forms R101G.
Identifiers: ClinVar variation 3592171 (VCV003592171.2).